The following is an entry in ClinVar:

NM_000059.4(BRCA2):c.2156A>G (p.Asn719Ser)

Gene: BRCA2 (BRCA2 DNA repair associated; plus strand). Cytogenetic location: 13q13.1.
Variant type: single nucleotide variant.
Coding change: c.2156A>G on transcript NM_000059.4 (MANE Select); coding-DNA position 2156, A replaced by G.
Protein change: p.Asn719Ser; replaces asparagine 719 with serine.
Molecular consequence: missense variant. On other transcripts: non-coding transcript variant (1), intron variant (2).
Genome position (GRCh38, 1-based): chr13:32,336,511, A>G. VCF-style: chr13-32336511-A-G. GRCh37 (hg19) VCF-style: chr13-32910648-A-G.
Other names: c.2156A>G, p.Asn719Ser (NM_001406719.1, NM_001406720.1); c.1909+3124A>G (NM_001406721.1); c.424+5481A>G (NM_001406722.1); short protein forms N719S.
Identifiers: ClinVar variation 2804333 (VCV002804333.4), dbSNP rs539724529, ClinGen allele CA6940585.

ClinVar aggregate classification (germline): Uncertain significance. Review status: criteria provided, multiple submitters, no conflicts (2 of 4 stars). 2 submissions from 2 submitters: Uncertain significance (2). Last evaluated 2024-03-08.

Conditions:
Hereditary breast ovarian cancer syndrome. Also called: Hereditary breast and ovarian cancer syndrome; Breast and ovarian cancer; BRCA1- and BRCA2-Associated Hereditary Breast and Ovarian Cancer; Hereditary breast and ovarian cancer syndrome (HBOC); Hereditary breast and/or ovarian cancer syndrome; Hereditary breast and ovarian cancer. Identifiers: Orphanet 145, MedGen C0677776, MeSH D061325, MONDO:0003582. Disease mechanism: loss of function.
Hereditary cancer-predisposing syndrome. Also called: Hereditary neoplastic syndrome; Neoplastic Syndromes, Hereditary; Hereditary Cancer Syndrome; Tumor predisposition. Identifiers: Orphanet 140162, MedGen C0027672, MeSH D009386, MONDO:0015356.

Allele frequency attached by ClinVar (database versions not stated): ExAC 0.00001; gnomAD 0.00001; 1000 Genomes Project 30x 0.00016; 1000 Genomes Project 0.00020.

Submissions (2):

Ambry Genetics
Classification: Uncertain significance for Hereditary cancer-predisposing syndrome. Last evaluated: 2024-03-08. Review status: criteria provided, single submitter. Criteria: Ambry Variant Classification Scheme 2023. Collection method: clinical testing. Allele origin: germline.
Comment: The p.N719S variant (also known as c.2156A>G), located in coding exon 10 of the BRCA2 gene, results from an A to G substitution at nucleotide position 2156. The asparagine at codon 719 is replaced by serine, an amino acid with highly similar properties. This amino acid position is conserved. In addition, this alteration is predicted to be tolerated by in silico analysis. Based on the available evidence, the clinical significance of this alteration remains unclear.

Labcorp Genetics (formerly Invitae), Labcorp
Classification: Uncertain significance for Hereditary breast ovarian cancer syndrome. Last evaluated: 2023-12-01. Review status: criteria provided, single submitter. Criteria: Invitae Variant Classification Sherloc (09022015). Collection method: clinical testing. Allele origin: germline.
Comment: This sequence change replaces asparagine, which is neutral and polar, with serine, which is neutral and polar, at codon 719 of the BRCA2 protein (p.Asn719Ser). This variant is present in population databases (rs539724529, gnomAD 0.007%). This variant has not been reported in the literature in individuals affected with BRCA2-related conditions. Advanced modeling of protein sequence and biophysical properties (such as structural, functional, and spatial information, amino acid conservation, physicochemical variation, residue mobility, and thermodynamic stability) performed at Invitae indicates that this missense variant is not expected to disrupt BRCA2 protein function with a negative predictive value of 95%. In summary, the available evidence is currently insufficient to determine the role of this variant in disease. Therefore, it has been classified as a Variant of Uncertain Significance.